The following is an entry in ClinVar:

ClinVar aggregate classification (germline): Conflicting classifications of pathogenicity. Review status: criteria provided, conflicting classifications (1 of 4 stars). 5 submissions from 5 submitters: Pathogenic (1); Likely pathogenic (2); Uncertain significance (2). Last evaluated 2024-12-18.

Conditions:
Sulfite oxidase deficiency due to molybdenum cofactor deficiency type B1 (MOCODB1). Also called: Molybdenum cofactor deficiency, complementation group B; MOLYBDENUM COFACTOR DEFICIENCY, TYPE B1; Molybdenum cofactor deficiency B; Sulfite oxidase deficiency due to molybdenum cofactor deficiency type B. Identifiers: Orphanet 308393, Orphanet 833, MedGen C6065887, MONDO:0009644, OMIM 252160.

Allele frequency attached by ClinVar (database versions not stated): ExAC 0.00004; gnomAD exomes 0.00005 and 0.00001; gnomAD 0.00001.

Submissions (5):

Palindrome, Gene Kavoshgaran Aria
Classification: Likely pathogenic for Sulfite oxidase deficiency due to molybdenum cofactor deficiency type B1. Last evaluated: 2024-12-18. Review status: criteria provided, single submitter. Criteria: ACMG Guidelines, 2015. Collection method: clinical testing. Allele origin: germline. Inheritance: Autosomal recessive inheritance. Affected: yes. Observed: 2 homozygotes. Clinical features observed: Seizure (HP:0001250), Microcephaly (HP:0000252), Poor speech (HP:0002465), Bowel incontinence (HP:0002607), Urinary incontinence (HP:0000020), Hearing impairment (HP:0000365).

Women's Health and Genetics/Laboratory Corporation of America, LabCorp
Classification: Uncertain significance. Last evaluated: 2024-07-11. Review status: criteria provided, single submitter. Criteria: LabCorp Variant Classification Summary - May 2015. Collection method: clinical testing. Allele origin: germline.
Comment: Variant summary: MOCS2 c.-143T>A is located in the untranslated mRNA region upstream of the initiation codon in NM_004531; however, in an alternative reportable transcript NM_176806.4, this variant results in a missense change, c.45T>A (p.Ser15Arg). The variant allele was found at a frequency of 5.2e-05 in 248876 control chromosomes. This frequency is not significantly higher than estimated for a pathogenic variant in MOCS2 causing Molybdenum Cofactor Deficiency (5.2e-05 vs 0.002), allowing no conclusion about variant significance. c.-143T>A has been reported in the literature as homozygous genptype in an individual affected with Molybdenum Cofactor Deficiency (Stranneheim_2021). These data indicate that the variant may be associated with disease. To our knowledge, no experimental evidence demonstrating an impact on protein function has been reported. The following publications have been ascertained in the context of this evaluation (PMID: 33726816). ClinVar contains an entry for this variant (Variation ID: 1504259). Based on the evidence outlined above, the variant was classified as VUS-possibly pathogenic.

Institute of Medical Genetics and Genomics, Sir Ganga Ram Hospital
Classification: Pathogenic for Sulfite oxidase deficiency due to molybdenum cofactor deficiency type B1. Last evaluated: 2023-10-23. Review status: criteria provided, single submitter. Criteria: ACMG Guidelines, 2015. Collection method: clinical testing. Allele origin: germline. Inheritance: Autosomal recessive inheritance. Affected: yes. Observed: 1 homozygote.
Comment: This nucleotide change is present in gnomAD database with an allele frequency of 0.0052% [PM2]. To our knowledge there are no homozygotes in gnomAd database for this variant. Insilico prediction [REVEL: 0.5] predicts a uncertain nature of this variant, however MutationTaster predicts a “Deleterious” nature of this variant.[PP3]. A clinvar entry [Variation ID: 548929] for this variant is available with a “uncertain significance” interpretation by multiple submitter. Based on the strong clinical correlation and available evidence, this variant is classified as " Pathogenic"

Labcorp Genetics (formerly Invitae), Labcorp
Classification: Uncertain significance. Last evaluated: 2021-10-14. Review status: criteria provided, single submitter. Criteria: Invitae Variant Classification Sherloc (09022015). Collection method: clinical testing. Allele origin: germline.
Comment: This sequence change replaces serine with arginine at codon 15 of the MOCS2A protein (p.Ser15Arg). The serine residue is weakly conserved and there is a moderate physicochemical difference between serine and arginine. This variant is present in population databases (no rsID available, ExAC 0.03%). This missense change has been observed in individual(s) with molybdenum cofactor deficiency (PMID: 12754701). Algorithms developed to predict the effect of missense changes on protein structure and function are either unavailable or do not agree on the potential impact of this missense change (SIFT: "Deleterious"; PolyPhen-2: "Probably Damaging"; Align-GVGD: "Class C15"). In summary, the available evidence is currently insufficient to determine the role of this variant in disease. Therefore, it has been classified as a Variant of Uncertain Significance.

Kasturba Medical College, Manipal, Kasturba Medical College, Manipal, Manipal Academy of Higher Education, Manipal, India
Classification: Likely pathogenic for Sulfite oxidase deficiency due to molybdenum cofactor deficiency type B1. Review status: criteria provided, single submitter. Criteria: ACMG Guidelines, 2015. Collection method: clinical testing. Allele origin: unknown. Inheritance: Autosomal recessive inheritance. Affected: no. Observed: 1 heterozygote.
Comment: In silico prediction tools (REVEL, ClinPred) are consistent in predicting the variant to be deleterious. This variant has been reported in ClinVar by two submitters (Accession ID: VCV001504259.5) as pathogenic and variant of uncertain significance.

Literature cited by the submitters: PubMed 33726816 (cited by Women's Health and Genetics/Laboratory Corporation of America, LabCorp); PubMed 12754701 (cited by 3 submitters).

NM_176806.4(MOCS2):c.45T>A (p.Ser15Arg)

Gene: MOCS2 (molybdenum cofactor synthesis 2; minus strand). Cytogenetic location: 5q11.2.
Variant type: single nucleotide variant.
Coding change: c.45T>A on transcript NM_176806.4 (MANE Plus Clinical); coding-DNA position 45, T replaced by A.
Protein change: p.Ser15Arg; replaces serine 15 with arginine.
Molecular consequence: missense variant. On other transcripts: 5 prime UTR variant (1).
Genome position (GRCh38, 1-based): chr5:53,108,617, A>T on the plus strand (T>A on the coding strand, the complement: MOCS2 is on the minus strand). VCF-style: chr5-53108617-A-T. GRCh37 (hg19) VCF-style: chr5-52404447-A-T.
Other names: c.-143T>A (NM_004531.5); short protein forms S15R.
Identifiers: ClinVar variation 1504259 (VCV001504259.8), dbSNP rs1554028127, ClinGen allele CA3263814.
Genomic context (GRCh38, chr5:53,108,617, plus strand): 5'-CAACGCTTTTATTTCTTGAGGCACAGAAATGGTCTCTGAACGAACTCCTGTTATTTCAGC[A>T]CTTTTTGCAAAATACAATACTTCAACCTGAAAGTAAAGAAAATGCTTTTAATAACAACTC-3'
Protein context (NP_789776.1, residues 5-25): CQVEVLYFAK[Ser15Arg]AEITGVRSET